The following is an entry in ClinVar:

ClinVar aggregate classification (germline): Benign. Review status: criteria provided, multiple submitters, no conflicts (2 of 4 stars). 2 submissions from 2 submitters: Benign (2). Last evaluated 2024-01-24.

Allele frequency attached by ClinVar (database versions not stated): 1000 Genomes Project 30x 0.29653; 1000 Genomes Project 0.29872; ESP Exome Variant Server 0.35637; gnomAD exomes 0.45129; TOPMed 0.33566; gnomAD 0.36126; ExAC 0.40056.
gnomAD v4.1: 712,739 of 1,613,964 alleles (44%); highest among the groups gnomAD compares: Non-Finnish European, 47%; 162,867 homozygotes.

Submissions (2):

Unidad de Genómica Garrahan, Hospital de Pediatría Garrahan
Classification: Benign. Last evaluated: 2024-01-24. Review status: criteria provided, single submitter. Criteria: ACMG Guidelines, 2015. Collection method: clinical testing. Allele origin: germline. Affected: no. Observed: 59 variant alleles.
Comment: This variant is classified as Benign based on local population frequency. This variant was detected in 62% of patients studied by a panel of primary immunodeficiencies. Number of patients: 59. Only high quality variants are reported.

Mayo Clinic Laboratories, Mayo Clinic
Classification: Benign. Last evaluated: 2022-09-06. Review status: criteria provided, single submitter. Criteria: ACMG Guidelines, 2015. Collection method: clinical testing. Allele origin: germline. Observed: 21 variant alleles.

NM_012481.5(IKZF3):c.1314C>T (p.Ser438=)

Gene: IKZF3 (IKAROS family zinc finger 3; minus strand). Cytogenetic location: 17q12.
Variant type: single nucleotide variant.
Coding change: c.1314C>T on transcript NM_012481.5 (MANE Select); coding-DNA position 1314, C replaced by T.
Protein change: p.Ser438=; no amino-acid change (serine 438 retained).
Molecular consequence: synonymous variant.
Genome position (GRCh38, 1-based): chr17:39,766,006, G>A on the plus strand (C>T on the coding strand, the complement: IKZF3 is on the minus strand). VCF-style: chr17-39766006-G-A. GRCh37 (hg19) VCF-style: chr17-37922259-G-A.
Other names: p.Ser438=; c.1212C>T, p.Ser404= (NM_001257408.2); c.1095C>T, p.Ser365= (NM_001257409.2); c.1053C>T, p.Ser351= (NM_001257410.2); c.885C>T, p.Ser295= (NM_001257411.2); c.768C>T, p.Ser256= (NM_001257412.2); c.651C>T, p.Ser217= (NM_001257413.2); c.912C>T, p.Ser304= (NM_001257414.2); and 5 more.
Identifiers: ClinVar variation 2688057 (VCV002688057.3), dbSNP rs907092, ClinGen allele CA8535443.